The following is an entry in ClinVar:

NM_014008.5(CCDC22):c.242C>T (p.Pro81Leu)

Gene: CCDC22 (coiled-coil domain containing 22; plus strand). Cytogenetic location: Xp11.23.
Variant type: single nucleotide variant.
Coding change: c.242C>T on transcript NM_014008.5 (MANE Select); coding-DNA position 242, C replaced by T.
Protein change: p.Pro81Leu; replaces proline 81 with leucine.
Molecular consequence: missense variant.
Genome position (GRCh38, 1-based): chrX:49,242,029, C>T. VCF-style: chrX-49242029-C-T. GRCh37 (hg19) VCF-style: chrX-49098495-C-T.
Other names: c.242C>T (NM_014008.4); short protein forms P81L.
Identifiers: ClinVar variation 393115 (VCV000393115.4), dbSNP rs1057524794, ClinGen allele CA16609190.

ClinVar aggregate classification (germline): Uncertain significance. Review status: criteria provided, single submitter (1 of 4 stars). 2 submissions from 2 submitters: Uncertain significance (1). 1 of the submissions does not count toward it. Last evaluated 2017-10-10.

Conditions:
CCDC22-related disorder. Also called: CCDC22-related condition.

Submissions (2):

GeneDx
Classification: Uncertain significance. Last evaluated: 2017-10-10. Review status: criteria provided, single submitter. Criteria: GeneDx Variant Classification (06012015). Collection method: clinical testing. Allele origin: germline. Affected: yes.
Comment: The P81L variant in the CCDC22 gene has not been reported previously as a pathogenic variant, nor as a benign variant, to our knowledge. The P81L variant was not observed in approximately 6500 individuals of European and African American ancestry in the NHLBI Exome Sequencing Project, indicating it is not a common benign variant in these populations. The P81L variant is a semi-conservative amino acid substitution, which may impact secondary protein structure as these residues differ in some properties. This substitution occurs at a position that is conserved in mammals. In silico analysis is inconsistent in its predictions as to whether or not the variant is damaging to the protein structure/function. We interpret P81L as a variant of uncertain significance

PreventionGenetics, part of Exact Sciences
Classification: Uncertain significance for CCDC22-related condition. Last evaluated: 2024-07-31. Review status: no assertion criteria provided. Collection method: clinical testing. Allele origin: germline. Not counted in ClinVar's aggregate classification.
Comment: The CCDC22 c.242C>T variant is predicted to result in the amino acid substitution p.Pro81Leu. To our knowledge, this variant has not been reported in the literature or in gnomAD, indicating this variant is rare. At this time, the clinical significance of this variant is uncertain due to the absence of conclusive functional and genetic evidence.